The following is an entry in ClinVar:

NM_006206.6(PDGFRA):c.3192C>T (p.Asp1064=)

Gene: PDGFRA (platelet derived growth factor receptor alpha; plus strand). Cytogenetic location: 4q12.
Variant type: single nucleotide variant.
Coding change: c.3192C>T on transcript NM_006206.6 (MANE Select); coding-DNA position 3192, C replaced by T.
Protein change: p.Asp1064=; no amino-acid change (aspartic acid 1064 retained).
Molecular consequence: synonymous variant.
Genome position (GRCh38, 1-based): chr4:54,295,194, C>T. VCF-style: chr4-54295194-C-T. GRCh37 (hg19) VCF-style: chr4-55161361-C-T.
Other names: c.3267C>T, p.Asp1089= (NM_001347828.2); c.3192C>T, p.Asp1064= (NM_001347829.2); c.3231C>T, p.Asp1077= (NM_001347830.2); c.3192C>T (NM_006206.5).
Identifiers: ClinVar variation 414509 (VCV000414509.41), dbSNP rs1060504251, ClinGen allele CA16611481.
Genomic context (GRCh38, chr4:54,295,194, plus strand): 5'-CTCTGAAGAGAGTGCCATTGAGACGGGTTCCAGCAGTTCCACCTTCATCAAGAGAGAGGA[C>T]GAGACCATTGAAGACATCGACATGATGGATGACATCGGCATAGACTCTTCAGACCTGGTG-3'
Protein context (NP_006197.1, residues 1054-1074): SSSSTFIKRE[Asp1064=]ETIEDIDMMD

ClinVar aggregate classification (germline): Benign/Likely benign. Review status: criteria provided, multiple submitters, no conflicts (2 of 4 stars). 6 submissions from 6 submitters: Benign (1); Likely benign (5). Last evaluated 2026-06-18.

Conditions:
PDGFRA-related disorder. Also called: PDGFRA-related condition.
Polyps, multiple and recurrent inflammatory fibroid, gastrointestinal. Identifiers: MedGen C5193005, MONDO:0008285, OMIM 175510.
Hereditary cancer-predisposing syndrome. Also called: Tumor predisposition; Hereditary neoplastic syndrome; Hereditary Cancer Syndrome; Neoplastic Syndromes, Hereditary. Identifiers: Orphanet 140162, MedGen C0027672, MeSH D009386, MONDO:0015356.
Gastrointestinal stromal tumor. Also called: Gastrointestinal stromal tumor, somatic; Gastrointestinal stroma tumor. Identifiers: Orphanet 44890, MedGen C0238198, MeSH D046152, MONDO:0011719, OMIM 606764, HP:0100723.

Allele frequency attached by ClinVar (database versions not stated): gnomAD exomes below 0.00001; TOPMed 0.00001.

Submissions (6):

Myriad Genetics, Inc.
Classification: Benign for Polyps, multiple and recurrent inflammatory fibroid, gastrointestinal. Last evaluated: 2026-06-18. Review status: criteria provided, single submitter. Criteria: Myriad Autosomal Dominant, Autosomal Recessive and X-Linked Classification Criteria (2023). Collection method: clinical testing. Allele origin: unknown.
Comment: This variant is considered benign. This variant is a silent/synonymous amino acid change and it is not expected to impact splicing.

Labcorp Genetics (formerly Invitae), Labcorp
Classification: Likely benign for Gastrointestinal stromal tumor. Last evaluated: 2025-11-24. Review status: criteria provided, single submitter. Criteria: Invitae Variant Classification Sherloc (09022015). Collection method: clinical testing. Allele origin: germline.

PreventionGenetics, part of Exact Sciences
Classification: Likely benign for PDGFRA-related condition. Last evaluated: 2025-06-25. Review status: criteria provided, single submitter. Criteria: ACMG Guidelines, 2015. Collection method: clinical testing. Allele origin: germline.
Comment: This variant is classified as likely benign based on ACMG/AMP sequence variant interpretation guidelines (Richards et al. 2015 PMID: 25741868, with internal and published modifications).

Blueprint Genetics
Classification: Likely benign. Last evaluated: 2024-11-11. Review status: criteria provided, single submitter. Criteria: ACMG Guidelines, 2015. Collection method: clinical testing. Allele origin: germline.

CeGaT Center for Human Genetics Tuebingen
Classification: Likely benign. Last evaluated: 2024-10-01. Review status: criteria provided, single submitter. Criteria: CeGaT Center For Human Genetics Tuebingen Variant Classification Criteria Version 2. Collection method: clinical testing. Allele origin: germline. Affected: yes. Observed: 2 variant alleles.
Comment: PDGFRA: BP4, BP7

Ambry Genetics
Classification: Likely benign for Hereditary cancer-predisposing syndrome. Last evaluated: 2022-05-02. Review status: criteria provided, single submitter. Criteria: Ambry Variant Classification Scheme 2023. Collection method: clinical testing. Allele origin: germline.